The following is an entry in ClinVar:

ClinVar aggregate classification (germline): Uncertain significance. Review status: criteria provided, multiple submitters, no conflicts (2 of 4 stars). 4 submissions from 2 submitters: Uncertain significance (4). Last evaluated 2023-05-19.

Conditions:
Charcot-Marie-Tooth disease type 2A2. Also called: Charcot-Marie-Tooth Neuropathy Type 2A2; CHARCOT-MARIE-TOOTH DISEASE, AXONAL, TYPE 2A2; CHARCOT-MARIE-TOOTH DISEASE, NEURONAL, TYPE 2A2; HEREDITARY MOTOR AND SENSORY NEUROPATHY IIA2; HMSN IIA2; CHARCOT-MARIE-TOOTH DISEASE, AXONAL, AUTOSOMAL DOMINANT, TYPE 2A2A. Identifiers: Orphanet 99947, MedGen C4721887, MONDO:0012231, OMIM 609260.
Charcot-Marie-Tooth disease, axonal, autosomal recessive, type 2a2b;. Also called: Charcot-Marie-Tooth disease, axonal, type 2A2B; Charcot-Marie-Tooth disease, axonal, autosomal recessive, type 2A2B. Identifiers: MedGen C4310725, MONDO:0014906, OMIM 617087.
Charcot-Marie-Tooth disease type 2. Also called: Charcot-Marie-Tooth type 2. Identifiers: Orphanet 64746, MedGen C0270914, MONDO:0018993.
Neuropathy, hereditary motor and sensory, type 6A (HMSN6A). Also called: NEUROPATHY, HEREDITARY MOTOR AND SENSORY, TYPE VIA; NEUROPATHY, HEREDITARY MOTOR AND SENSORY, TYPE VIA, WITH OPTIC ATROPHY; HMSN VIA; CHARCOT-MARIE-TOOTH DISEASE, TYPE 6A. Identifiers: MedGen CN305336, MONDO:0011002, OMIM 601152.

Allele frequency attached by ClinVar (database versions not stated): ExAC 0.00001; gnomAD exomes 0.00001.
gnomAD v4.1: 10 of 1,614,166 alleles (0.00062%); highest among the groups gnomAD compares: East Asian, 0.0022%; no homozygotes.

Submissions (4):

Baylor Genetics
Classification: Uncertain significance for Charcot-Marie-Tooth disease type 2A2. Last evaluated: 2023-05-19. Review status: criteria provided, single submitter. Criteria: ACMG Guidelines, 2015. Collection method: clinical testing. Allele origin: unknown.

Baylor Genetics
Classification: Uncertain significance for Neuropathy, hereditary motor and sensory, type 6A. Last evaluated: 2023-05-19. Review status: criteria provided, single submitter. Criteria: ACMG Guidelines, 2015. Collection method: clinical testing. Allele origin: unknown.

Baylor Genetics
Classification: Uncertain significance for Charcot-Marie-Tooth disease, axonal, autosomal recessive, type 2a2b;. Last evaluated: 2023-05-19. Review status: criteria provided, single submitter. Criteria: ACMG Guidelines, 2015. Collection method: clinical testing. Allele origin: unknown.

Labcorp Genetics (formerly Invitae), Labcorp
Classification: Uncertain significance for Charcot-Marie-Tooth disease type 2. Last evaluated: 2023-05-17. Review status: criteria provided, single submitter. Criteria: Invitae Variant Classification Sherloc (09022015). Collection method: clinical testing. Allele origin: germline.
Comment: In summary, the available evidence is currently insufficient to determine the role of this variant in disease. Therefore, it has been classified as a Variant of Uncertain Significance. This sequence change replaces arginine, which is basic and polar, with glutamine, which is neutral and polar, at codon 418 of the MFN2 protein (p.Arg418Gln). This variant is present in population databases (rs766998571, gnomAD 0.006%). This missense change has been observed in individual(s) with Charcot–Marie–Tooth disease (PMID: 24863639). ClinVar contains an entry for this variant (Variation ID: 1377782). Advanced modeling of protein sequence and biophysical properties (such as structural, functional, and spatial information, amino acid conservation, physicochemical variation, residue mobility, and thermodynamic stability) performed at Invitae indicates that this missense variant is not expected to disrupt MFN2 protein function.

Literature cited by the submitters: PubMed 24863639 (cited by Labcorp Genetics (formerly Invitae), Labcorp).

NM_014874.4(MFN2):c.1253G>A (p.Arg418Gln)

Gene: MFN2 (mitofusin 2; plus strand). Cytogenetic location: 1p36.22.
Variant type: single nucleotide variant.
Coding change: c.1253G>A on transcript NM_014874.4 (MANE Select); coding-DNA position 1253, G replaced by A.
Protein change: p.Arg418Gln; replaces arginine 418 with glutamine.
Molecular consequence: missense variant.
Genome position (GRCh38, 1-based): chr1:12,004,084, G>A. VCF-style: chr1-12004084-G-A. GRCh37 (hg19) VCF-style: chr1-12064141-G-A.
Other names: c.1253G>A, p.Arg418Gln (NM_001127660.2); short protein forms R418Q.
Identifiers: ClinVar variation 1377782 (VCV001377782.8), dbSNP rs766998571, ClinGen allele CA599057.